The following is an entry in ClinVar:

ClinVar aggregate classification (germline): Likely benign (1 of 4 stars; one submission).

Allele frequency attached by ClinVar (database versions not stated): TOPMed 0.00001; gnomAD 0.00001.
gnomAD v4.1: 4 of 1,043,262 alleles (0.00038%); highest among the groups gnomAD compares: Non-Finnish European, 0.00034%; no homozygotes.

Submission:

Laboratory for Molecular Medicine, Mass General Brigham Personalized Medicine
Classification: Likely benign. Last evaluated: 2011-06-14. Review status: criteria provided, single submitter. Criteria: LMM Criteria. Collection method: clinical testing. Allele origin: germline. Observed: 1 variant allele.
Comment: Therefore, this variant is more likely benign although a modifying role cannot be excluded. This is consistent with th e lack of evolutionary conservation of arginine (Arg) at position 114 (conserved in mammals but not in more distantly related species) and the predictions of t wo computer tools (Align GVGD, SIFT) although their accuracy is unknown.

NM_001330.5(CTF1):c.341G>A (p.Arg114His)

Genes: CTF1 (cardiotrophin 1; plus strand), LOC130058878 (ATAC-STARR-seq lymphoblastoid silent region 7400; plus strand). Cytogenetic location: 16p11.2.
Variant type: single nucleotide variant.
Coding change: c.341G>A on transcript NM_001330.5 (MANE Select); coding-DNA position 341, G replaced by A.
Protein change: p.Arg114His; replaces arginine 114 with histidine.
Molecular consequence: missense variant. On other transcripts: non-coding transcript variant (1).
Genome position (GRCh38, 1-based): chr16:30,902,274, G>A. VCF-style: chr16-30902274-G-A. GRCh37 (hg19) VCF-style: chr16-30913595-G-A.
Other names: c.338G>A, p.Arg113His (NM_001142544.3); short protein forms R114H, R113H.
Identifiers: ClinVar variation 44179 (VCV000044179.4), dbSNP rs397516649, ClinGen allele CA133726.